The following is an entry in ClinVar:

NM_001367624.2(ZNF469):c.6983C>T (p.Ser2328Leu)

Gene: ZNF469 (zinc finger protein 469; plus strand). Cytogenetic location: 16q24.2.
Variant type: single nucleotide variant.
Coding change: c.6983C>T on transcript NM_001367624.2 (MANE Select); coding-DNA position 6983, C replaced by T.
Protein change: p.Ser2328Leu; replaces serine 2328 with leucine.
Molecular consequence: missense variant.
Genome position (GRCh38, 1-based): chr16:88,434,453, C>T. VCF-style: chr16-88434453-C-T. GRCh37 (hg19) VCF-style: chr16-88500861-C-T.
Other names: short protein forms S2328L.
Identifiers: ClinVar variation 3896234 (VCV003896234.2).
Genomic context (GRCh38, chr16:88,434,453, plus strand): 5'-CCCAGAGCAGGGGAGCCCCGCCCCACACCAACCCTGACAGGATGCCCAGGGGCCACTCCT[C>T]GTATTCTCCAAGCAATACTGCCCGCCTCGGCCACAGGGAGGGCCAGGCTGTCACAGCTGT-3'
Protein context (NP_001354553.1, residues 2318-2338): NPDRMPRGHS[Ser2328Leu]YSPSNTARLG

ClinVar aggregate classification (germline): Uncertain significance (1 of 4 stars; one submission).

gnomAD v4.1: 5 of 1,549,794 alleles (0.00032%); highest among the groups gnomAD compares: Non-Finnish European, 0.00044%; no homozygotes.

Submission:

Women's Health and Genetics/Laboratory Corporation of America, LabCorp
Classification: Uncertain significance. Last evaluated: 2025-04-16. Review status: criteria provided, single submitter. Criteria: LabCorp Variant Classification Summary - May 2015. Collection method: clinical testing. Allele origin: germline.
Comment: Variant summary: ZNF469 c.6983C>T (p.Ser2328Leu) results in a non-conservative amino acid change in the encoded protein sequence. Two of four in-silico tools predict a benign effect of the variant on protein function. The frequency data for this variant in gnomAD is considered unreliable, as metrics indicate poor data quality at this position. To our knowledge, no occurrence of c.6983C>T in individuals affected with Brittle cornea syndrome 1 and no experimental evidence demonstrating its impact on protein function have been reported. No submitters have cited clinical-significance assessments for this variant to ClinVar. Based on the evidence outlined above, the variant was classified as uncertain significance.